The following is an entry in ClinVar:

NM_000179.3(MSH6):c.2951A>C (p.Asn984Thr)

Gene: MSH6 (mutS homolog 6; plus strand). Cytogenetic location: 2p16.3.
Variant type: single nucleotide variant.
Coding change: c.2951A>C on transcript NM_000179.3 (MANE Select); coding-DNA position 2951, A replaced by C.
Protein change: p.Asn984Thr; replaces asparagine 984 with threonine.
Molecular consequence: missense variant.
Genome position (GRCh38, 1-based): chr2:47,800,934, A>C. VCF-style: chr2-47800934-A-C. GRCh37 (hg19) VCF-style: chr2-48028073-A-C.
Other names: p.N984T:AAT>ACT; c.2561A>C, p.Asn854Thr (NM_001281492.2); c.2045A>C, p.Asn682Thr (NM_001281493.2, NM_001281494.2); short protein forms N984T, N682T, N854T.
Identifiers: ClinVar variation 127575 (VCV000127575.29), dbSNP rs587779927, ClinGen allele CA011183.
Genomic context (GRCh38, chr2:47,800,934, plus strand): 5'-GTAGGACCATAGTCTATTGGGGGATTGGTAGGAACCGTTACCAGCTGGAAATTCCTGAGA[A>C]TTTCACCACTCGCAATTTGCCAGAAGAATACGAGTTGAAATCTACCAAGAAGGGCTGTAA-3'
Protein context (NP_000170.1, residues 974-994): RNRYQLEIPE[Asn984Thr]FTTRNLPEEY

ClinVar aggregate classification (germline): Conflicting classifications of pathogenicity. Review status: criteria provided, conflicting classifications (1 of 4 stars). 6 submissions from 6 submitters: Uncertain significance (4); Benign (1). 1 of the submissions does not count toward it. Last evaluated 2025-12-16.

Conditions:
Hereditary nonpolyposis colorectal neoplasms. Identifiers: MedGen C0009405, MeSH D003123.
Hereditary cancer-predisposing syndrome. Also called: Hereditary Cancer Syndrome; Hereditary neoplastic syndrome; Tumor predisposition; Neoplastic Syndromes, Hereditary. Identifiers: Orphanet 140162, MedGen C0027672, MeSH D009386, MONDO:0015356.
Lynch syndrome 5 (LYNCH5). Also called: Colorectal cancer, hereditary nonpolyposis, type 5; Hereditary non-polyposis colorectal cancer, type 5. Identifiers: Orphanet 144, MedGen C1833477, MONDO:0013710, OMIM 614350. Disease mechanism: loss of function.

Allele frequency attached by ClinVar (database versions not stated): gnomAD exomes below 0.00001; TOPMed below 0.00001; gnomAD 0.00001.
gnomAD v4.1: 2 of 1,577,240 alleles (0.00013%); highest among the groups gnomAD compares: Non-Finnish European, 0.00017%; no homozygotes.

Submissions (6):

Labcorp Genetics (formerly Invitae), Labcorp
Classification: Benign for Hereditary nonpolyposis colorectal neoplasms. Last evaluated: 2025-12-16. Review status: criteria provided, single submitter. Criteria: Invitae Variant Classification Sherloc (09022015). Collection method: clinical testing. Allele origin: germline.

Ambry Genetics
Classification: Uncertain significance for Hereditary cancer-predisposing syndrome. Last evaluated: 2025-07-28. Review status: criteria provided, single submitter. Criteria: Ambry Variant Classification Scheme 2023. Collection method: clinical testing. Allele origin: germline.
Comment: The p.N984T variant (also known as c.2951A>C), located in coding exon 4 of the MSH6 gene, results from an A to C substitution at nucleotide position 2951. The asparagine at codon 984 is replaced by threonine, an amino acid with similar properties. This amino acid position is poorly conserved in available vertebrate species. In addition, this alteration is predicted to be tolerated by in silico analysis. Since supporting evidence is limited at this time, the clinical significance of this alteration remains unclear.

Color Diagnostics, LLC DBA Color Health
Classification: Uncertain significance for Hereditary cancer-predisposing syndrome. Last evaluated: 2024-03-07. Review status: criteria provided, single submitter. Criteria: ACMG Guidelines, 2015. Collection method: clinical testing. Allele origin: germline.
Comment: This missense variant replaces asparagine with threonine at codon 984 of the MSH6 protein. Computational prediction suggests that this variant may not impact protein structure and function (internally defined REVEL score threshold <= 0.5, PMID: 27666373). To our knowledge, functional studies have not been reported for this variant. This variant has not been reported in individuals affected with MSH6-related disorders in the literature. This variant has not been identified in the general population by the Genome Aggregation Database (gnomAD). The available evidence is insufficient to determine the role of this variant in disease conclusively. Therefore, this variant is classified as a Variant of Uncertain Significance.

GeneDx
Classification: Uncertain significance. Last evaluated: 2024-01-03. Review status: criteria provided, single submitter. Criteria: GeneDx Variant Classification Process June 2021. Collection method: clinical testing. Allele origin: germline. Affected: yes.
Comment: Has not been previously published as pathogenic or benign to our knowledge; Not observed at significant frequency in large population cohorts (gnomAD); In silico analysis supports that this missense variant does not alter protein structure/function; This variant is associated with the following publications: (PMID: 17531815, 21120944)

Myriad Genetics, Inc.
Classification: Uncertain significance for Lynch syndrome 5. Last evaluated: 2023-03-29. Review status: criteria provided, single submitter. Criteria: Myriad Autosomal Dominant, Autosomal Recessive and X-Linked Classification Criteria (2023). Collection method: clinical testing. Allele origin: unknown.
Comment: This variant is classified as a variant of uncertain significance as there is insufficient evidence to determine its impact on protein function and/or cancer risk.

Counsyl
Classification: Uncertain significance for Lynch syndrome 5. Last evaluated: 2016-11-11. Review status: no assertion criteria provided. Collection method: clinical testing. Allele origin: unknown. Not counted in ClinVar's aggregate classification.